The following is an entry in ClinVar:

ClinVar aggregate classification (germline): Uncertain significance (1 of 4 stars; one submission).

Submission:

Labcorp Genetics (formerly Invitae), Labcorp
Classification: Uncertain significance. Last evaluated: 2025-07-11. Review status: criteria provided, single submitter. Criteria: Invitae Variant Classification Sherloc (09022015). Collection method: clinical testing. Allele origin: germline.
Comment: This sequence change replaces proline, which is neutral and non-polar, with leucine, which is neutral and non-polar, at codon 2997 of the HSPG2 protein (p.Pro2997Leu). This variant is not present in population databases (gnomAD no frequency). This variant has not been reported in the literature in individuals affected with HSPG2-related conditions. An algorithm developed to predict the effect of missense changes on protein structure and function outputs the following: PolyPhen-2: "Benign". The leucine amino acid residue is found in multiple mammalian species, which suggests that this missense change does not adversely affect protein function. In summary, the available evidence is currently insufficient to determine the role of this variant in disease. Therefore, it has been classified as a Variant of Uncertain Significance.

NM_005529.7(HSPG2):c.8990C>T (p.Pro2997Leu)

Gene: HSPG2 (heparan sulfate proteoglycan 2; minus strand). Cytogenetic location: 1p36.12.
Variant type: single nucleotide variant.
Coding change: c.8990C>T on transcript NM_005529.7 (MANE Select); coding-DNA position 8990, C replaced by T.
Protein change: p.Pro2997Leu; replaces proline 2997 with leucine.
Molecular consequence: missense variant.
Genome position (GRCh38, 1-based): chr1:21,842,301, G>A on the plus strand (C>T on the coding strand, the complement: HSPG2 is on the minus strand). VCF-style: chr1-21842301-G-A. GRCh37 (hg19) VCF-style: chr1-22168794-G-A.
Other names: c.8993C>T, p.Pro2998Leu (NM_001291860.2); short protein forms P2998L, P2997L.
Identifiers: ClinVar variation 4723023 (VCV004723023.1).